The following is an entry in ClinVar:

NM_019014.6(POLR1B):c.449A>G (p.Asn150Ser)

Gene: POLR1B (RNA polymerase I subunit B; plus strand). Cytogenetic location: 2q14.1.
Variant type: single nucleotide variant.
Coding change: c.449A>G on transcript NM_019014.6 (MANE Select); coding-DNA position 449, A replaced by G.
Protein change: p.Asn150Ser; replaces asparagine 150 with serine.
Molecular consequence: missense variant. On other transcripts: 5 prime UTR variant (1), intron variant (1).
Genome position (GRCh38, 1-based): chr2:112,547,524, A>G. VCF-style: chr2-112547524-A-G. GRCh37 (hg19) VCF-style: chr2-113305101-A-G.
Other names: c.32A>G, p.Asn11Ser (NM_001282777.2, NM_001282779.2, NM_001371970.1); c.449A>G, p.Asn150Ser (NM_001371969.1, NM_001282774.2); c.-52A>G (NM_001371971.1); c.-8-3342A>G (NM_001282776.2); c.281A>G, p.Asn94Ser (NM_001137604.3); c.563A>G, p.Asn188Ser (NM_001282772.2); short protein forms N11S, N150S, N188S, N94S.
Identifiers: ClinVar variation 3388975 (VCV003388975.14).
Genomic context (GRCh38, chr2:112,547,524, plus strand): 5'-TTAAGCAGTTTCTTGGCTATGTTCCCATCATGGTGAAATCCAAGCTTTGCAACTTACGTA[A>G]CCTTCCCCCACAAGCCCTCATTGAGCACCATGAGGAGGCAGAGGTAATGACGGGCGTCCA-3'
Protein context (NP_061887.2, residues 140-160): MVKSKLCNLR[Asn150Ser]LPPQALIEHH

ClinVar aggregate classification (germline): Likely benign (1 of 4 stars; one submission).

Submission:

CeGaT Center for Human Genetics Tuebingen
Classification: Likely benign. Last evaluated: 2024-11-01. Review status: criteria provided, single submitter. Criteria: CeGaT Center For Human Genetics Tuebingen Variant Classification Criteria Version 2. Collection method: clinical testing. Allele origin: germline. Affected: yes. Observed: 1 variant allele.
Comment: POLR1B: BP4, BS1